The following is an entry in ClinVar:

ClinVar aggregate classification (germline): Conflicting classifications of pathogenicity. Review status: criteria provided, conflicting classifications (1 of 4 stars). 2 submissions from 2 submitters: Uncertain significance (1); Likely benign (1). Last evaluated 2025-08-23.

Conditions:
Cardiovascular phenotype. Identifiers: MedGen CN230736.
Catecholaminergic polymorphic ventricular tachycardia 1. Also called: VENTRICULAR TACHYCARDIA, CATECHOLAMINERGIC POLYMORPHIC, 1, WITH OR WITHOUT ATRIAL DYSFUNCTION AND/OR DILATED CARDIOMYOPATHY; VENTRICULAR TACHYCARDIA, STRESS-INDUCED POLYMORPHIC 1; RYR2-Related Catecholaminergic Polymorphic Ventricular Tachycardia. Identifiers: Orphanet 3286, MedGen C1631597, MONDO:0011484, OMIM 604772.

Allele frequency attached by ClinVar (database versions not stated): gnomAD exomes below 0.00001; TOPMed 0.00001; ExAC 0.00002.
gnomAD v4.1: 6 of 1,587,278 alleles (0.00038%); highest among the groups gnomAD compares: East Asian, 0.011%; no homozygotes.

Submissions (2):

Labcorp Genetics (formerly Invitae), Labcorp
Classification: Likely benign for Catecholaminergic polymorphic ventricular tachycardia 1. Last evaluated: 2025-08-23. Review status: criteria provided, single submitter. Criteria: Invitae Variant Classification Sherloc (09022015). Collection method: clinical testing. Allele origin: germline.

Ambry Genetics
Classification: Uncertain significance for Cardiovascular phenotype. Last evaluated: 2020-10-16. Review status: criteria provided, single submitter. Criteria: Ambry Variant Classification Scheme 2023. Collection method: clinical testing. Allele origin: germline.
Comment: The c.13261-4C>A intronic variant results from a C to A substitution 4 nucleotides upstream from coding exon 91 in the RYR2 gene. This nucleotide position is well conserved in available vertebrate species. In silico splice site analysis predicts that this alteration will not have any significant effect on splicing. Since supporting evidence is limited at this time, the clinical significance of this alteration remains unclear.

NM_001035.3(RYR2):c.13261-4C>A

Gene: RYR2 (ryanodine receptor 2; plus strand). Cytogenetic location: 1q43.
Variant type: single nucleotide variant.
Coding change: c.13261-4C>A on transcript NM_001035.3 (MANE Select); 4 bases into the intron before coding-DNA position 13261, C replaced by A.
Molecular consequence: intron variant.
Genome position (GRCh38, 1-based): chr1:237,785,965, C>A. VCF-style: chr1-237785965-C-A. GRCh37 (hg19) VCF-style: chr1-237949265-C-A.
Identifiers: ClinVar variation 1770000 (VCV001770000.3), dbSNP rs751794368, ClinGen allele CA085326.